The following is an entry in ClinVar:

ClinVar aggregate classification (germline): Conflicting classifications of pathogenicity. Review status: criteria provided, conflicting classifications (1 of 4 stars). 2 submissions from 2 submitters: Uncertain significance (1); Likely benign (1). Last evaluated 2024-02-03.

Conditions:
Hereditary cancer-predisposing syndrome. Also called: Neoplastic Syndromes, Hereditary; Tumor predisposition; Hereditary neoplastic syndrome; Hereditary Cancer Syndrome. Identifiers: Orphanet 140162, MedGen C0027672, MeSH D009386, MONDO:0015356.
Hereditary breast ovarian cancer syndrome. Also called: BRCA1- and BRCA2-Associated Hereditary Breast and Ovarian Cancer; Hereditary breast and ovarian cancer; Hereditary breast and ovarian cancer syndrome (HBOC); Hereditary breast and ovarian cancer syndrome; Hereditary breast and/or ovarian cancer syndrome; Breast and ovarian cancer. Identifiers: Orphanet 145, MedGen C0677776, MeSH D061325, MONDO:0003582. Disease mechanism: loss of function.

Submissions (2):

Ambry Genetics
Classification: Likely benign for Hereditary cancer-predisposing syndrome. Last evaluated: 2024-02-03. Review status: criteria provided, single submitter. Criteria: Ambry Variant Classification Scheme 2023. Collection method: clinical testing. Allele origin: germline.

Labcorp Genetics (formerly Invitae), Labcorp
Classification: Uncertain significance for Hereditary breast ovarian cancer syndrome. Last evaluated: 2023-06-07. Review status: criteria provided, single submitter. Criteria: Invitae Variant Classification Sherloc (09022015). Collection method: clinical testing. Allele origin: germline.
Comment: Advanced modeling of protein sequence and biophysical properties (such as structural, functional, and spatial information, amino acid conservation, physicochemical variation, residue mobility, and thermodynamic stability) performed at Invitae indicates that this missense variant is not expected to disrupt BRCA1 protein function. In summary, the available evidence is currently insufficient to determine the role of this variant in disease. Therefore, it has been classified as a Variant of Uncertain Significance. This variant has not been reported in the literature in individuals affected with BRCA1-related conditions. This variant is not present in population databases (gnomAD no frequency). This sequence change replaces phenylalanine, which is neutral and non-polar, with serine, which is neutral and polar, at codon 984 of the BRCA1 protein (p.Phe984Ser).

NM_007294.4(BRCA1):c.2951T>C (p.Phe984Ser)

Gene: BRCA1 (BRCA1 DNA repair associated; minus strand). Cytogenetic location: 17q21.31.
Variant type: single nucleotide variant.
Coding change: c.2951T>C on transcript NM_007294.4 (MANE Select); coding-DNA position 2951, T replaced by C.
Protein change: p.Phe984Ser; replaces phenylalanine 984 with serine.
Molecular consequence: missense variant. On other transcripts: intron variant (137).
Genome position (GRCh38, 1-based): chr17:43,092,580, A>G on the plus strand (T>C on the coding strand, the complement: BRCA1 is on the minus strand). VCF-style: chr17-43092580-A-G. GRCh37 (hg19) VCF-style: chr17-41244597-A-G.
Other names: c.785-1548T>C (NM_001407986.1, NM_001407972.1, NM_001408397.1 and 13 more transcripts); c.788-1548T>C (NM_001407979.1, NM_001407977.1, NM_001407980.1 and 17 more transcripts); c.665-1548T>C (NM_001408437.1, NM_001408429.1, NM_001408441.1 and 12 more transcripts); c.647-1548T>C (NM_001408410.1, NM_001408458.1, NM_001408469.1 and 11 more transcripts); c.710-1548T>C (NM_001408415.1, NM_001408412.1, NM_001408409.1 and 2 more transcripts); c.578-1548T>C (NM_001408483.1, NM_001408481.1, NM_001408480.1 and 9 more transcripts); c.2738T>C, p.Phe913Ser (NM_001407571.1, NM_001407853.1, NM_001407894.1 and 9 more transcripts); c.2951T>C, p.Phe984Ser (NM_001407581.1, NM_001407582.1, NM_001407583.1 and 30 more transcripts); and 41 more; short protein forms F873S, F896S, F914S, F917S, F942S, F957S, F857S, F872S.
Identifiers: ClinVar variation 2697490 (VCV002697490.4), dbSNP rs2154350832, ClinGen allele CA10596096.